The following is an entry in ClinVar:

ClinVar aggregate classification (germline): Conflicting classifications of pathogenicity. Review status: criteria provided, conflicting classifications (1 of 4 stars). 6 submissions from 6 submitters: Uncertain significance (5); Likely benign (1). Last evaluated 2026-04-01.

Conditions:
FGFR2-related craniosynostosis. Identifiers: MedGen CN231480.
FGFR2-related disorder. Identifiers: MedGen CN380096.

Allele frequency attached by ClinVar (database versions not stated): gnomAD 0.00002 and 0.00003; TOPMed 0.00003; ExAC 0.00004; gnomAD exomes 0.00004; ESP Exome Variant Server 0.00008.
gnomAD v4.1: 63 of 1,613,986 alleles (0.0039%); highest among the groups gnomAD compares: Non-Finnish European, 0.0048%; no homozygotes.

Submissions (6):

CeGaT Center for Human Genetics Tuebingen
Classification: Uncertain significance. Last evaluated: 2026-04-01. Review status: criteria provided, single submitter. Criteria: CeGaT Center For Human Genetics Tuebingen Variant Classification Criteria Version 2. Collection method: clinical testing. Allele origin: germline. Affected: yes. Observed: 1 variant allele.

Labcorp Genetics (formerly Invitae), Labcorp
Classification: Uncertain significance for FGFR2-related craniosynostosis. Last evaluated: 2025-07-21. Review status: criteria provided, single submitter. Criteria: Invitae Variant Classification Sherloc (09022015). Collection method: clinical testing. Allele origin: germline.
Comment: This sequence change replaces alanine, which is neutral and non-polar, with valine, which is neutral and non-polar, at codon 461 of the FGFR2 protein (p.Ala461Val). This variant is present in population databases (rs376451171, gnomAD 0.01%). This variant has not been reported in the literature in individuals affected with FGFR2-related conditions. ClinVar contains an entry for this variant (Variation ID: 1316124). Invitae Evidence Modeling of protein sequence and biophysical properties (such as structural, functional, and spatial information, amino acid conservation, physicochemical variation, residue mobility, and thermodynamic stability) indicates that this missense variant is not expected to disrupt FGFR2 protein function with a negative predictive value of 80%. In summary, the available evidence is currently insufficient to determine the role of this variant in disease. Therefore, it has been classified as a Variant of Uncertain Significance.

Laboratory of Genetics, Children's Clinical University Hospital Latvia
Classification: Likely benign. Last evaluated: 2025-02-16. Review status: criteria provided, single submitter. Criteria: ACMG Guidelines, 2015. Collection method: clinical testing. Allele origin: germline. Affected: yes.

PreventionGenetics, part of Exact Sciences
Classification: Uncertain significance for FGFR2-related condition. Last evaluated: 2025-01-15. Review status: criteria provided, single submitter. Criteria: ACMG Guidelines, 2015. Collection method: clinical testing. Allele origin: germline.
Comment: The FGFR2 c.1382C>T variant is predicted to result in the amino acid substitution p.Ala461Val. This variant was reported in the heterozygous state in an individual with features including perineal fistula, hypoplasia of the left thumb, pre-axial polydactyly, wedged vertebrae, rib malformations, and double kidney (Draaken et al. 2012. PubMed ID: 22961180). This variant is reported in 0.0099% of alleles in individuals of Ashkenazi Jewish descent in gnomAD. At this time, the clinical significance of this variant is uncertain due to the absence of conclusive functional and genetic evidence.

GeneDx
Classification: Uncertain significance. Last evaluated: 2023-07-12. Review status: criteria provided, single submitter. Criteria: GeneDx Variant Classification Process June 2021. Collection method: clinical testing. Allele origin: germline. Affected: yes.
Comment: Reported in a patient with a perineal fistula, pre-axial polydactyly, wedged vertebra, rib malformations, dextrocardia and double kidney from a cohort of individuals with anorectal malformations (Draaken et al., 2012); In silico analysis supports that this missense variant has a deleterious effect on protein structure/function; This variant is associated with the following publications: (PMID: 22961180)

New York Genome Center
Classification: Uncertain significance. Last evaluated: 2021-03-04. Review status: criteria provided, single submitter. Criteria: NYGC Assertion Criteria 2020. Collection method: clinical testing. Allele origin: inherited. Observed: 1 heterozygote. Study: CSER-NYCKidSeq.

NM_000141.5(FGFR2):c.1382C>T (p.Ala461Val)

Gene: FGFR2 (fibroblast growth factor receptor 2; minus strand). Cytogenetic location: 10q26.13.
Variant type: single nucleotide variant.
Coding change: c.1382C>T on transcript NM_000141.5 (MANE Select); coding-DNA position 1382, C replaced by T.
Protein change: p.Ala461Val; replaces alanine 461 with valine.
Molecular consequence: missense variant. On other transcripts: non-coding transcript variant (1).
Genome position (GRCh38, 1-based): chr10:121,503,847, G>A on the plus strand (C>T on the coding strand, the complement: FGFR2 is on the minus strand). VCF-style: chr10-121503847-G-A. GRCh37 (hg19) VCF-style: chr10-123263361-G-A.
Other names: c.1385C>T, p.Ala462Val (NM_001144913.1, NM_022970.4); c.1046C>T, p.Ala349Val (NM_001144914.1); c.1115C>T, p.Ala372Val (NM_001144915.2, NM_023029.3); c.1037C>T, p.Ala346Val (NM_001144916.2); c.1034C>T, p.Ala345Val (NM_001144917.2); c.1031C>T, p.Ala344Val (NM_001144918.2); c.1118C>T, p.Ala373Val (NM_001144919.2); c.698C>T, p.Ala233Val (NM_001320654.2); and 1 more; short protein forms A233V, A344V, A345V, A346V, A349V, A372V, A373V, A459V.
Identifiers: ClinVar variation 1316124 (VCV001316124.11), dbSNP rs376451171, ClinGen allele CA5720759.
Genomic context (GRCh38, chr10:121,503,847, plus strand): 5'-CACTTATCTCTTGGAAACTCCCATTTTGGGTCCTCTGGAAGTTCATACTCGGAGACCCCT[G>A]CCAGCATGGGGGTGTCTGCCGTTGAAGAGAGGCGTGTTGTTATCCTCACCAGCGGGGTGT-3'
Protein context (NP_000132.3, residues 451-471): LSSTADTPML[Ala461Val]GVSEYELPED